The following is an entry in ClinVar:

NM_001374385.1(ATP8B1):c.305A>G (p.Tyr102Cys)

Gene: ATP8B1 (ATPase phospholipid transporting 8B1; minus strand). Cytogenetic location: 18q21.31.
Variant type: single nucleotide variant.
Coding change: c.305A>G on transcript NM_001374385.1 (MANE Select); coding-DNA position 305, A replaced by G.
Protein change: p.Tyr102Cys; replaces tyrosine 102 with cysteine.
Molecular consequence: missense variant.
Genome position (GRCh38, 1-based): chr18:57,704,643, T>C on the plus strand (A>G on the coding strand, the complement: ATP8B1 is on the minus strand). VCF-style: chr18-57704643-T-C. GRCh37 (hg19) VCF-style: chr18-55371875-T-C.
Other names: c.155A>G, p.Tyr52Cys (NM_001374386.1); c.305A>G, p.Tyr102Cys (NM_005603.6); short protein forms Y52C, Y102C.
Identifiers: ClinVar variation 4592376 (VCV004592376.1).

ClinVar aggregate classification (germline): Uncertain significance (1 of 4 stars; one submission).

Conditions:
Inborn genetic diseases. Identifiers: MedGen C0950123, MeSH D030342.

Submission:

Ambry Genetics
Classification: Uncertain significance for Inborn genetic diseases. Last evaluated: 2025-11-24. Review status: criteria provided, single submitter. Criteria: Ambry Variant Classification Scheme 2023. Collection method: clinical testing. Allele origin: germline.
Comment: The c.305A>G (p.Y102C) alteration is located in exon 4 (coding exon 3) of the ATP8B1 gene. This alteration results from a A to G substitution at nucleotide position 305, causing the tyrosine (Y) at amino acid position 102 to be replaced by a cysteine (C). Based on data from gnomAD, the G allele has an overall frequency of 0.003% (1/31414) total alleles studied. The highest observed frequency was <0.001% (/) of alleles. Based on insufficient or conflicting evidence, the clinical significance of this alteration remains unclear.